The following is an entry in ClinVar:

NM_032266.5(SPATA31H1):c.13862T>C (p.Leu4621Ser)

Gene: SPATA31H1 (SPATA31 subfamily H member 1; plus strand). Cytogenetic location: 2p23.3.
Variant type: single nucleotide variant.
Coding change: c.13862T>C on transcript NM_032266.5 (MANE Select); coding-DNA position 13862, T replaced by C.
Protein change: p.Leu4621Ser; replaces leucine 4621 with serine.
Molecular consequence: missense variant.
Genome position (GRCh38, 1-based): chr2:27,580,222, T>C. VCF-style: chr2-27580222-T-C. GRCh37 (hg19) VCF-style: chr2-27803089-T-C.
Other names: short protein forms L4621S.
Identifiers: ClinVar variation 2650774 (VCV002650774.23), dbSNP rs115888025, ClinGen allele CA1582831.

ClinVar aggregate classification (germline): Likely benign (1 of 4 stars; one submission).

Allele frequency attached by ClinVar (database versions not stated): 1000 Genomes Project 30x 0.00125; 1000 Genomes Project 0.00140; ESP Exome Variant Server 0.00433; gnomAD 0.00445; TOPMed 0.00477; ExAC 0.00581; gnomAD exomes 0.00598.
gnomAD v4.1: 9,472 of 1,614,194 alleles (0.59%); highest among the groups gnomAD compares: South Asian, 0.67%; 54 homozygotes.

Submission:

CeGaT Center for Human Genetics Tuebingen
Classification: Likely benign. Last evaluated: 2023-03-01. Review status: criteria provided, single submitter. Criteria: CeGaT Center For Human Genetics Tuebingen Variant Classification Criteria Version 2. Collection method: clinical testing. Allele origin: germline. Affected: yes. Observed: 2 variant alleles.
Comment: SPATA31H1: BP4, BS2